The following is an entry in ClinVar:

NM_001040108.2(MLH3):c.394G>A (p.Ala132Thr)

Gene: MLH3 (mutL homolog 3; minus strand). Cytogenetic location: 14q24.3.
Variant type: single nucleotide variant.
Coding change: c.394G>A on transcript NM_001040108.2 (MANE Select); coding-DNA position 394, G replaced by A.
Protein change: p.Ala132Thr; replaces alanine 132 with threonine.
Molecular consequence: missense variant.
Genome position (GRCh38, 1-based): chr14:75,049,262, C>T on the plus strand (G>A on the coding strand, the complement: MLH3 is on the minus strand). VCF-style: chr14-75049262-C-T. GRCh37 (hg19) VCF-style: chr14-75515965-C-T.
Other names: c.394G>A, p.Ala132Thr (NM_014381.3); short protein forms A132T.
Identifiers: ClinVar variation 696694 (VCV000696694.23), dbSNP rs148095325, ClinGen allele CA7276040.

ClinVar aggregate classification (germline): Conflicting classifications of pathogenicity. Review status: criteria provided, conflicting classifications (1 of 4 stars). 5 submissions from 5 submitters: Uncertain significance (1); Likely benign (3). 1 of the submissions does not count toward it. Last evaluated 2025-12-29.

Conditions:
MLH3-related disorder. Also called: MLH3-related condition.
Colorectal cancer, hereditary nonpolyposis, type 7. Identifiers: Orphanet 144, MedGen C1858380, MONDO:0013725, OMIM 614385.

Allele frequency attached by ClinVar (database versions not stated): gnomAD exomes 0.00009 and 0.00024; ExAC 0.00030; 1000 Genomes Project 30x 0.00047; 1000 Genomes Project 0.00060; gnomAD 0.00097 and 0.00102; ESP Exome Variant Server 0.00100; TOPMed 0.00101.
gnomAD v4.1: 288 of 1,614,224 alleles (0.018%); highest among the groups gnomAD compares: African/African-American, 0.32%; 1 homozygote.

Submissions (5):

Center for Genomic Medicine, Rigshospitalet, Copenhagen University Hospital
Classification: Uncertain significance. Last evaluated: 2025-12-29. Review status: criteria provided, single submitter. Criteria: ACMG Guidelines, 2015. Collection method: clinical testing. Allele origin: germline.
Comment: Classification criteria: BP4

Labcorp Genetics (formerly Invitae), Labcorp
Classification: Likely benign for Colorectal cancer, hereditary nonpolyposis, type 7. Last evaluated: 2025-12-21. Review status: criteria provided, single submitter. Criteria: Invitae Variant Classification Sherloc (09022015). Collection method: clinical testing. Allele origin: germline.

Blueprint Genetics
Classification: Likely benign. Last evaluated: 2024-11-22. Review status: criteria provided, single submitter. Criteria: ACMG Guidelines, 2015. Collection method: clinical testing. Allele origin: germline.

Ambry Genetics
Classification: Likely benign. Last evaluated: 2021-10-26. Review status: criteria provided, single submitter. Criteria: Ambry Variant Classification Scheme 2023. Collection method: clinical testing. Allele origin: germline.

PreventionGenetics, part of Exact Sciences
Classification: Likely benign for MLH3-related condition. Last evaluated: 2021-11-29. Review status: no assertion criteria provided. Collection method: clinical testing. Allele origin: germline. Not counted in ClinVar's aggregate classification.
Comment: This variant is classified as likely benign based on ACMG/AMP sequence variant interpretation guidelines (Richards et al. 2015 PMID: 25741868, with internal and published modifications).